The following is an entry in ClinVar:

ClinVar aggregate classification (germline): Uncertain significance (1 of 4 stars; one submission).

Submission:

Labcorp Genetics (formerly Invitae), Labcorp
Classification: Uncertain significance. Last evaluated: 2022-04-16. Review status: criteria provided, single submitter. Criteria: Invitae Variant Classification Sherloc (09022015). Collection method: clinical testing. Allele origin: germline.
Comment: This sequence change replaces leucine, which is neutral and non-polar, with valine, which is neutral and non-polar, at codon 192 of the SPPL2A protein (p.Leu192Val). This variant is not present in population databases (gnomAD no frequency). This variant has not been reported in the literature in individuals affected with SPPL2A-related conditions. Algorithms developed to predict the effect of missense changes on protein structure and function output the following: SIFT: "Tolerated"; PolyPhen-2: "Benign"; Align-GVGD: "Class C0". The valine amino acid residue is found in multiple mammalian species, which suggests that this missense change does not adversely affect protein function. In summary, the available evidence is currently insufficient to determine the role of this variant in disease. Therefore, it has been classified as a Variant of Uncertain Significance.

NM_032802.4(SPPL2A):c.574C>G (p.Leu192Val)

Gene: SPPL2A (signal peptide peptidase like 2A; minus strand). Cytogenetic location: 15q21.2.
Variant type: single nucleotide variant.
Coding change: c.574C>G on transcript NM_032802.4 (MANE Select); coding-DNA position 574, C replaced by G.
Protein change: p.Leu192Val; replaces leucine 192 with valine.
Molecular consequence: missense variant.
Genome position (GRCh38, 1-based): chr15:50,747,505, G>C on the plus strand (C>G on the coding strand, the complement: SPPL2A is on the minus strand). VCF-style: chr15-50747505-G-C. GRCh37 (hg19) VCF-style: chr15-51039702-G-C.
Other names: short protein forms L192V.
Identifiers: ClinVar variation 1942710 (VCV001942710.5), dbSNP rs2542838775, ClinGen allele CA392413539.